The following is an entry in ClinVar:

NM_015346.4(ZFYVE26):c.6338dup (p.Glu2114fs)

Gene: ZFYVE26 (zinc finger FYVE-type containing 26; minus strand). Cytogenetic location: 14q24.1.
Variant type: Duplication.
Coding change: c.6338dup on transcript NM_015346.4 (MANE Select); coding-DNA position 6338, one base duplicated (T; older notation c.6338dupT).
Protein change: p.Glu2114fs; shifts the reading frame from glutamic acid 2114.
Molecular consequence: frameshift variant.
Genome position (GRCh38, 1-based): chr14:67,762,234, A duplicated on the plus strand (T on the coding strand, the reverse complement: ZFYVE26 is on the minus strand). VCF-style (leftmost placement, unchanged base first): chr14-67762233-T-TA. GRCh37 (hg19) VCF-style: chr14-68228950-T-TA.
Other names: short protein forms E2114fs.
Identifiers: ClinVar variation 2810250 (VCV002810250.3), dbSNP rs2503966765, ClinGen allele CA2625372097.

ClinVar aggregate classification (germline): Pathogenic (1 of 4 stars; one submission).

Conditions:
Spastic paraplegia. Identifiers: MedGen C0037772, HP:0001258.

Allele frequency attached by ClinVar (database versions not stated): gnomAD exomes below 0.00001.

Submission:

Labcorp Genetics (formerly Invitae), Labcorp
Classification: Pathogenic for Spastic paraplegia. Last evaluated: 2022-10-27. Review status: criteria provided, single submitter. Criteria: Invitae Variant Classification Sherloc (09022015). Collection method: clinical testing. Allele origin: germline.
Comment: This variant has not been reported in the literature in individuals affected with ZFYVE26-related conditions. This variant is not present in population databases (gnomAD no frequency). This sequence change creates a premature translational stop signal (p.Glu2114Argfs*13) in the ZFYVE26 gene. It is expected to result in an absent or disrupted protein product. Loss-of-function variants in ZFYVE26 are known to be pathogenic (PMID: 18394578, 19805727). For these reasons, this variant has been classified as Pathogenic.

Literature cited by the submitters: PubMed 18394578; PubMed 19805727.